The following is an entry in ClinVar:

ClinVar aggregate classification (germline): Uncertain significance. Review status: criteria provided, multiple submitters, no conflicts (2 of 4 stars). 2 submissions from 2 submitters: Uncertain significance (2). Last evaluated 2026-07-11.

Conditions:
Hereditary cancer-predisposing syndrome. Also called: Neoplastic Syndromes, Hereditary; Tumor predisposition; Hereditary Cancer Syndrome; Hereditary neoplastic syndrome. Identifiers: Orphanet 140162, MedGen C0027672, MeSH D009386, MONDO:0015356.

Submissions (2):

Ambry Genetics
Classification: Uncertain significance for Hereditary cancer-predisposing syndrome. Last evaluated: 2026-07-11. Review status: criteria provided, single submitter. Criteria: Ambry Variant Classification Scheme 2023. Collection method: clinical testing. Allele origin: germline.
Comment: The p.Y7C variant (also known as c.20A>G), located in coding exon 2 of the SMARCE1 gene, results from an A to G substitution at nucleotide position 20. The tyrosine at codon 7 is replaced by cysteine, an amino acid with highly dissimilar properties. This amino acid position is conserved. In addition, the in silico prediction for this alteration is inconclusive. Based on the available evidence, the clinical significance of this variant remains unclear.

Blueprint Genetics
Classification: Uncertain significance. Last evaluated: 2024-08-12. Review status: criteria provided, single submitter. Criteria: ACMG Guidelines, 2015. Collection method: clinical testing. Allele origin: germline.

NM_003079.5(SMARCE1):c.20A>G (p.Tyr7Cys)

Gene: SMARCE1 (SWI/SNF related BAF chromatin remodeling complex subunit E1; minus strand). Cytogenetic location: 17q21.2.
Variant type: single nucleotide variant.
Coding change: c.20A>G on transcript NM_003079.5 (MANE Select); coding-DNA position 20, A replaced by G.
Protein change: p.Tyr7Cys; replaces tyrosine 7 with cysteine.
Molecular consequence: missense variant.
Genome position (GRCh38, 1-based): chr17:40,645,607, T>C on the plus strand (A>G on the coding strand, the complement: SMARCE1 is on the minus strand). VCF-style: chr17-40645607-T-C. GRCh37 (hg19) VCF-style: chr17-38801859-T-C.
Other names: short protein forms Y7C.
Identifiers: ClinVar variation 4935076 (VCV004935076.2).